The following is an entry in ClinVar:

NM_198253.3(TERT):c.554G>T (p.Arg185Leu)

Gene: TERT (telomerase reverse transcriptase; minus strand). Cytogenetic location: 5p15.33.
Variant type: single nucleotide variant.
Coding change: c.554G>T on transcript NM_198253.3 (MANE Select); coding-DNA position 554, G replaced by T.
Protein change: p.Arg185Leu; replaces arginine 185 with leucine.
Molecular consequence: missense variant. On other transcripts: non-coding transcript variant (2).
Genome position (GRCh38, 1-based): chr5:1,294,332, C>A on the plus strand (G>T on the coding strand, the complement: TERT is on the minus strand). VCF-style: chr5-1294332-C-A. GRCh37 (hg19) VCF-style: chr5-1294447-C-A.
Other names: c.554G>T, p.Arg185Leu (NM_001193376.3); short protein forms R185L.
Identifiers: ClinVar variation 577181 (VCV000577181.11), dbSNP rs749187042, ClinGen allele CA112915226.
Genomic context (GRCh38, chr5:1,294,332, plus strand): 5'-TGGTTCCAGGCCCGTTCGCATCCCAGACGCCTTCGGGGTCCACTAGCGTGTGGCGGGGGC[C>A]GGGCCTGAGTGGCAGCGCCGAGCTGGTACAGCGGCGGCCCGCACACCTGGTAGGCGCAGC-3'
Protein context (NP_937983.2, residues 175-195): LYQLGAATQA[Arg185Leu]PPPHASGPRR

ClinVar aggregate classification (germline): Conflicting classifications of pathogenicity. Review status: criteria provided, conflicting classifications (1 of 4 stars). 2 submissions from 2 submitters: Uncertain significance (1); Likely benign (1). Last evaluated 2026-01-12.

Conditions:
Dyskeratosis congenita, autosomal dominant 2. Identifiers: MedGen C3151443, MONDO:0013521, OMIM 613989.
Idiopathic Pulmonary Fibrosis. Also called: Idiopathic fibrosing alveolitis, chronic form; idiopathic fibrosing alveolitis. Identifiers: Orphanet 2032, MedGen C1800706, MeSH D054990, MONDO:0800504.
Dyskeratosis congenita. Identifiers: Orphanet 1775, MedGen C0265965, MONDO:0015780.

Allele frequency attached by ClinVar (database versions not stated): gnomAD exomes 0.00001; TOPMed 0.00001.
gnomAD v4.1: 3 of 1,581,468 alleles (0.00019%); no homozygotes.

Submissions (2):

Labcorp Genetics (formerly Invitae), Labcorp
Classification: Likely benign for Dyskeratosis congenita, autosomal dominant 2; Idiopathic Pulmonary Fibrosis. Last evaluated: 2026-01-12. Review status: criteria provided, single submitter. Criteria: Invitae Variant Classification Sherloc (09022015). Collection method: clinical testing. Allele origin: germline.

Ambry Genetics
Classification: Uncertain significance for Dyskeratosis congenita. Last evaluated: 2025-01-23. Review status: criteria provided, single submitter. Criteria: Ambry Variant Classification Scheme 2023. Collection method: clinical testing. Allele origin: germline.
Comment: The p.R185L variant (also known as c.554G>T), located in coding exon 2 of the TERT gene, results from a G to T substitution at nucleotide position 554. The arginine at codon 185 is replaced by leucine, an amino acid with dissimilar properties. This amino acid position is not well conserved in available vertebrate species. In addition, this alteration is predicted to be tolerated by in silico analysis. Based on the available evidence, the clinical significance of this variant remains unclear.